The following is an entry in ClinVar:

NM_153676.4(USH1C):c.1872G>A (p.Ser624=)

Gene: USH1C (USH1 protein network component harmonin; minus strand). Cytogenetic location: 11p15.1.
Variant type: single nucleotide variant.
Coding change: c.1872G>A on transcript NM_153676.4 (MANE Select); coding-DNA position 1872, G replaced by A.
Protein change: p.Ser624=; no amino-acid change (serine 624 retained).
Molecular consequence: synonymous variant. On other transcripts: intron variant (2).
Genome position (GRCh38, 1-based): chr11:17,509,497, C>T on the plus strand (G>A on the coding strand, the complement: USH1C is on the minus strand). VCF-style: chr11-17509497-C-T. GRCh37 (hg19) VCF-style: chr11-17531044-C-T.
Other names: c.1228-7517G>A (NM_001297764.2); c.1285-7517G>A (NM_005709.4).
Identifiers: ClinVar variation 47984 (VCV000047984.17), dbSNP rs80124409, ClinGen allele CA142311.

ClinVar aggregate classification (germline): Benign. Review status: criteria provided, multiple submitters, no conflicts (2 of 4 stars). 4 submissions from 4 submitters: Benign (4). Last evaluated 2023-05-04.

Allele frequency attached by ClinVar (database versions not stated): gnomAD exomes 0.00357 and 0.00143; 1000 Genomes Project 30x 0.01437; ESP Exome Variant Server 0.01656; gnomAD 0.01611 and 0.01688; 1000 Genomes Project 0.01398; TOPMed 0.01520; ExAC 0.00447.
gnomAD v4.1: 3,898 of 1,419,594 alleles (0.27%); highest among the groups gnomAD compares: African/African-American, 5.6%; 83 homozygotes.

Submissions (4):

Labcorp Genetics (formerly Invitae), Labcorp
Classification: Benign. Last evaluated: 2023-05-04. Review status: criteria provided, single submitter. Criteria: Invitae Variant Classification Sherloc (09022015). Collection method: clinical testing. Allele origin: germline.

GeneDx
Classification: Benign. Last evaluated: 2017-10-09. Review status: criteria provided, single submitter. Criteria: GeneDx Variant Classification (06012015). Collection method: clinical testing. Allele origin: germline. Affected: yes.
Comment: This variant is considered likely benign or benign based on one or more of the following criteria: it is a conservative change, it occurs at a poorly conserved position in the protein, it is predicted to be benign by multiple in silico algorithms, and/or has population frequency not consistent with disease.

Laboratory for Molecular Medicine, Mass General Brigham Personalized Medicine
Classification: Benign. Last evaluated: 2011-05-04. Review status: criteria provided, single submitter. Criteria: LMM Criteria. Collection method: clinical testing. Allele origin: germline. Observed: 19 variant alleles.
Comment: Ser624Ser in exon 18 of USH1C: This variant is not expected to have clinical sig nificance because it does not alter an amino acid residue, is not located near a splice junction and has been identified in dbSNP in 3.6% (6/168) West African c ontrol chromosomes (rs80124409)

Breakthrough Genomics
Classification: Benign. Review status: criteria provided, single submitter. Criteria: ACMG Guidelines, 2015. Collection method: not provided. Allele origin: germline. Inheritance: Autosomal recessive inheritance. Affected: yes.

Literature cited by the submitters: PubMed 16679490 (cited by Laboratory for Molecular Medicine, Mass General Brigham Personalized Medicine).